The following is an entry in ClinVar:

ClinVar aggregate classification (germline): Uncertain significance (1 of 4 stars; one submission).

Conditions:
Developmental and epileptic encephalopathy, 9 (DEE9). Also called: PCDH19-Related X-Linked Female-Limited Epilepsy with Mental Retardation; Early infantile epileptic encephalopathy 9; EPILEPSY, FEMALE-RESTRICTED, WITH MENTAL RETARDATION; JUBERG-HELLMAN SYNDROME. Identifiers: Orphanet 101039, Orphanet 2076, MedGen C1848137, MONDO:0010246, OMIM 300088. Disease mechanism: loss of function.

Allele frequency attached by ClinVar (database versions not stated): TOPMed below 0.00001; ExAC 0.00001; gnomAD exomes 0.00001.
gnomAD v4.1: 3 of 1,211,221 alleles (0.00025%); highest among the groups gnomAD compares: Admixed American, 0.0065%; no homozygotes.

Submission:

Labcorp Genetics (formerly Invitae), Labcorp
Classification: Uncertain significance for Developmental and epileptic encephalopathy, 9. Last evaluated: 2025-11-10. Review status: criteria provided, single submitter. Criteria: Invitae Variant Classification Sherloc (09022015). Collection method: clinical testing. Allele origin: germline.
Comment: This sequence change replaces asparagine, which is neutral and polar, with aspartic acid, which is acidic and polar, at codon 834 of the PCDH19 protein (p.Asn834Asp). This variant is present in population databases (rs768823043, gnomAD 0.004%). This variant has not been reported in the literature in individuals affected with PCDH19-related conditions. ClinVar contains an entry for this variant (Variation ID: 1991228). Invitae Evidence Modeling of protein sequence and biophysical properties (such as structural, functional, and spatial information, amino acid conservation, physicochemical variation, residue mobility, and thermodynamic stability) indicates that this missense variant is not expected to disrupt PCDH19 protein function with a negative predictive value of 95%. In summary, the available evidence is currently insufficient to determine the role of this variant in disease. Therefore, it has been classified as a Variant of Uncertain Significance.

NM_001184880.2(PCDH19):c.2500A>G (p.Asn834Asp)

Genes: PCDH19 (protocadherin 19; minus strand), LOC125467768 (CDK7 strongly-dependent group 2 enhancer GRCh37_chrX:99657381-99658580; plus strand). Cytogenetic location: Xq22.1.
Variant type: single nucleotide variant.
Coding change: c.2500A>G on transcript NM_001184880.2 (MANE Select); coding-DNA position 2500, A replaced by G.
Protein change: p.Asn834Asp; replaces asparagine 834 with aspartic acid.
Molecular consequence: missense variant.
Genome position (GRCh38, 1-based): chrX:100,402,640, T>C on the plus strand (A>G on the coding strand, the complement: PCDH19 is on the minus strand). VCF-style: chrX-100402640-T-C. GRCh37 (hg19) VCF-style: chrX-99657638-T-C.
Other names: c.2359A>G, p.Asn787Asp (NM_001105243.2, NM_020766.3); short protein forms N787D, N834D.
Identifiers: ClinVar variation 1991228 (VCV001991228.4), dbSNP rs768823043, ClinGen allele CA10468764.
Genomic context (GRCh38, chrX:100,402,640, plus strand): 5'-TGAAAGAGTGATGGTAGATGTGGTTAGCACTGGTGTTGCGGGTATTCTGGTTCTCCACAT[T>C]CAGGAAAGTGCTCTCAGAGCGGCGGCAGCCCAGGGGCAGCGTCTGCTGGTGGTAGTCAAA-3'
Protein context (NP_001171809.1, residues 824-844): GCRRSESTFL[Asn834Asp]VENQNTRNTS